The following is an entry in ClinVar:

ClinVar aggregate classification (germline): Benign/Likely benign. Review status: criteria provided, multiple submitters, no conflicts (2 of 4 stars). 3 submissions from 3 submitters: Benign (1); Likely benign (2). Last evaluated 2024-10-22.

Allele frequency attached by ClinVar (database versions not stated): gnomAD 0.00001; TOPMed 0.00001; ExAC 0.00002; 1000 Genomes Project 30x 0.00016; 1000 Genomes Project 0.00020.
gnomAD v4.1: 19 of 1,614,086 alleles (0.0012%); highest among the groups gnomAD compares: Middle Eastern, 0.016%; no homozygotes.

Submissions (3):

Labcorp Genetics (formerly Invitae), Labcorp
Classification: Benign. Last evaluated: 2024-10-22. Review status: criteria provided, single submitter. Criteria: Invitae Variant Classification Sherloc (09022015). Collection method: clinical testing. Allele origin: germline.

Blueprint Genetics
Classification: Likely benign. Last evaluated: 2024-10-09. Review status: criteria provided, single submitter. Criteria: ACMG Guidelines, 2015. Collection method: clinical testing. Allele origin: germline.

CeGaT Center for Human Genetics Tuebingen
Classification: Likely benign. Last evaluated: 2024-04-01. Review status: criteria provided, single submitter. Criteria: CeGaT Center For Human Genetics Tuebingen Variant Classification Criteria Version 2. Collection method: clinical testing. Allele origin: germline. Affected: yes. Observed: 1 variant allele.
Comment: KAT6A: BP4, BP7

NM_006766.5(KAT6A):c.2913T>C (p.Arg971=)

Gene: KAT6A (lysine acetyltransferase 6A; minus strand). Cytogenetic location: 8p11.21.
Variant type: single nucleotide variant.
Coding change: c.2913T>C on transcript NM_006766.5 (MANE Select); coding-DNA position 2913, T replaced by C.
Protein change: p.Arg971=; no amino-acid change (arginine 971 retained).
Molecular consequence: synonymous variant.
Genome position (GRCh38, 1-based): chr8:41,940,968, A>G on the plus strand (T>C on the coding strand, the complement: KAT6A is on the minus strand). VCF-style: chr8-41940968-A-G. GRCh37 (hg19) VCF-style: chr8-41798486-A-G.
Identifiers: ClinVar variation 2185105 (VCV002185105.25), dbSNP rs201698734, ClinGen allele CA4729813.
Genomic context (GRCh38, chr8:41,940,968, plus strand): 5'-CTCCTCCTCGCTGCTCTCACTGAAGCCCCTGAGGACAGCCCTGTCACCCTCACTGTAGCG[A>G]CGGGGCAGCCTCTCACTTCCTTCTGTTAATCTGCACTTCAGAGCCTCAGGGCTTTTCTTG-3'
Protein context (NP_006757.2, residues 961-981): RLTEGSERLP[Arg971=]RYSEGDRAVL